The following is an entry in ClinVar:

ClinVar aggregate classification (germline): Uncertain significance (1 of 4 stars; one submission).

Conditions:
Congenital contractural arachnodactyly (CCA). Also called: BEALS SYNDROME; Beals-Hecht syndrome; Arthrogryposis, distal, type 9. Identifiers: Orphanet 115, MedGen C0220668, MONDO:0007363, OMIM 121050.

gnomAD v4.1: 4 of 1,613,518 alleles (0.00025%); highest among the groups gnomAD compares: Non-Finnish European, 0.00034%; no homozygotes.

Submission:

Labcorp Genetics (formerly Invitae), Labcorp
Classification: Uncertain significance for Congenital contractural arachnodactyly. Last evaluated: 2024-11-27. Review status: criteria provided, single submitter. Criteria: Invitae Variant Classification Sherloc (09022015). Collection method: clinical testing. Allele origin: germline.
Comment: This sequence change replaces aspartic acid, which is acidic and polar, with asparagine, which is neutral and polar, at codon 496 of the FBN2 protein (p.Asp496Asn). This variant is present in population databases (no rsID available, gnomAD 0.0009%). This variant has not been reported in the literature in individuals affected with FBN2-related conditions. Invitae Evidence Modeling of protein sequence and biophysical properties (such as structural, functional, and spatial information, amino acid conservation, physicochemical variation, residue mobility, and thermodynamic stability) indicates that this missense variant is not expected to disrupt FBN2 protein function with a negative predictive value of 80%. In summary, the available evidence is currently insufficient to determine the role of this variant in disease. Therefore, it has been classified as a Variant of Uncertain Significance.

NM_001999.4(FBN2):c.1486G>A (p.Asp496Asn)

Gene: FBN2 (fibrillin 2; minus strand). Cytogenetic location: 5q23.3.
Variant type: single nucleotide variant.
Coding change: c.1486G>A on transcript NM_001999.4 (MANE Select); coding-DNA position 1486, G replaced by A.
Protein change: p.Asp496Asn; replaces aspartic acid 496 with asparagine.
Molecular consequence: missense variant.
Genome position (GRCh38, 1-based): chr5:128,392,135, C>T on the plus strand (G>A on the coding strand, the complement: FBN2 is on the minus strand). VCF-style: chr5-128392135-C-T. GRCh37 (hg19) VCF-style: chr5-127727828-C-T.
Other names: short protein forms D496N.
Identifiers: ClinVar variation 3604327 (VCV003604327.2).
Genomic context (GRCh38, chr5:128,392,135, plus strand): 5'-TTGAGACAGTTGGTATACAGCGTCCATTTAAACAAAGGTTAGCATGATGCTTACAGATAT[C>T]TATTGTCTGGTTCAGAATTGCTACGGAAAATTAAAGCACAATTATATTTAATCATTACAA-3'
Protein context (NP_001990.2, residues 486-506): TGLTILNQTI[Asp496Asn]ICKHHANLCL